The following is an entry in ClinVar:

NM_007255.3(B4GALT7):c.829G>T (p.Glu277Ter)

Gene: B4GALT7 (beta-1,4-galactosyltransferase 7; plus strand). Cytogenetic location: 5q35.3.
Variant type: single nucleotide variant.
Coding change: c.829G>T on transcript NM_007255.3 (MANE Select); coding-DNA position 829, G replaced by T.
Protein change: p.Glu277Ter; replaces glutamic acid 277 with a stop codon.
Molecular consequence: nonsense.
Genome position (GRCh38, 1-based): chr5:177,609,540, G>T. VCF-style: chr5-177609540-G-T. GRCh37 (hg19) VCF-style: chr5-177036541-G-T.
Other names: short protein forms E277*.
Identifiers: ClinVar variation 978463 (VCV000978463.6), dbSNP rs1481659687, ClinGen allele CA362377197.
Genomic context (GRCh38, chr5:177,609,540, plus strand): 5'-AGTGGGTAGCTGGCACCCATGCAGCCCTGAGTCCGTGCTCTTTCCTCTCTTCCTCCCCAG[G>T]AGCAGTTCAAGGTGGACAGGGAGGGAGGCCTGAACACTGTGAAGTACCATGTGGCTTCCC-3'

ClinVar aggregate classification (germline): Conflicting classifications of pathogenicity. Review status: criteria provided, conflicting classifications (1 of 4 stars). 2 submissions from 2 submitters: Pathogenic (1); Uncertain significance (1). Last evaluated 2025-09-04.

Conditions:
Spondylodysplastic Ehlers-Danlos syndrome. Identifiers: Orphanet 536471, Orphanet 75496, MedGen C5680154, MONDO:0007526.

Allele frequency attached by ClinVar (database versions not stated): gnomAD exomes 0.00001.
gnomAD v4.1: 2 of 1,613,148 alleles (0.00012%); highest among the groups gnomAD compares: Admixed American, 0.0033%; no homozygotes.

Submissions (2):

Labcorp Genetics (formerly Invitae), Labcorp
Classification: Uncertain significance for Spondylodysplastic Ehlers-Danlos syndrome. Last evaluated: 2025-09-04. Review status: criteria provided, single submitter. Criteria: Invitae Variant Classification Sherloc (09022015). Collection method: clinical testing. Allele origin: germline.
Comment: This sequence change creates a premature translational stop signal (p.Glu277*) in the B4GALT7 gene. While this is not anticipated to result in nonsense mediated decay, it is expected to disrupt the last 51 amino acid(s) of the B4GALT7 protein. This variant is present in population databases (no rsID available, gnomAD 0.006%). This premature translational stop signal has been observed in individual(s) with Ehlers-Danlos syndrome, spondylodysplastic type (PMID: 28882145). ClinVar contains an entry for this variant (Variation ID: 978463). Algorithms developed to predict the effect of sequence changes on RNA splicing suggest that this variant may disrupt the consensus splice site. In summary, the available evidence is currently insufficient to determine the role of this variant in disease. Therefore, it has been classified as a Variant of Uncertain Significance.

Division of Biology and Genetics, University of Brescia
Classification: Pathogenic for Ehlers-Danlos syndrome, spondylodysplastic type, 1. Review status: criteria provided, single submitter. Criteria: ACMG Guidelines, 2015. Collection method: clinical testing. Allele origin: germline. Inheritance: Autosomal recessive inheritance. Affected: yes. Observed: 1 homozygote.
Comment: this variant was annotated in dbSNP, and has extremely low frequencies in population genomic database. This variant was observed in two individuals in GnomAD (rs1481659687, 2/250434, no homozygotes, total MAF: C = 0.000007986). Sanger sequencing of RT-PCR showed in addition to mRNA resulting from the use of the canonical site, the presence of 2 further splice products: i) an allele derived from the activation of a cryptic splice acceptor site 3 bp downstream generating in frame deletion of the amino acid residue at position 277, and ii) mRNA with entire intron 5 retention causing the insertion of 10 amino acids followed by a stop codon. The mutation should therefore result in different amounts of truncated (p.Glu277* and p.Glu276_Glu277ins11*) and internally deleted polypeptides (p.Glu277del) leading to reduced galactosyltransferase activity.

Literature cited by the submitters: PubMed 28882145 (cited by Labcorp Genetics (formerly Invitae), Labcorp and Division of Biology and Genetics, University of Brescia).